The following is an entry in ClinVar:

NM_001430.5(EPAS1):c.1742G>T (p.Ser581Ile)

Gene: EPAS1 (endothelial PAS domain protein 1; plus strand). Cytogenetic location: 2p21.
Variant type: single nucleotide variant.
Coding change: c.1742G>T on transcript NM_001430.5 (MANE Select); coding-DNA position 1742, G replaced by T.
Protein change: p.Ser581Ile; replaces serine 581 with isoleucine.
Molecular consequence: missense variant.
Genome position (GRCh38, 1-based): chr2:46,380,414, G>T. VCF-style: chr2-46380414-G-T. GRCh37 (hg19) VCF-style: chr2-46607553-G-T.
Other names: short protein forms S581I.
Identifiers: ClinVar variation 3508988 (VCV003508988.1).
Genomic context (GRCh38, chr2:46,380,414, plus strand): 5'-AGCACTGCTTCAGTGCCATGACAAACATCTTCCAGCCACTGGCCCCTGTAGCCCCGCACA[G>T]TCCCTTCCTCCTGGACAAGTTTCAGCAGCAGCTGGAGAGCAAGAAGACAGAGCCCGAGCA-3'
Protein context (NP_001421.2, residues 571-591): FQPLAPVAPH[Ser581Ile]PFLLDKFQQQ

ClinVar aggregate classification (germline): Uncertain significance (1 of 4 stars; one submission).

Conditions:
Inborn genetic diseases. Identifiers: MedGen C0950123, MeSH D030342.

Submission:

Ambry Genetics
Classification: Uncertain significance for Inborn genetic diseases. Last evaluated: 2024-09-26. Review status: criteria provided, single submitter. Criteria: Ambry Variant Classification Scheme 2023. Collection method: clinical testing. Allele origin: germline.
Comment: The p.S581I variant (also known as c.1742G>T), located in coding exon 12 of the EPAS1 gene, results from a G to T substitution at nucleotide position 1742. The serine at codon 581 is replaced by isoleucine, an amino acid with dissimilar properties. This amino acid position is conserved. In addition, this alteration is predicted to be tolerated by in silico analysis. Based on the available evidence, the clinical significance of this variant remains unclear.